The following is an entry in ClinVar:

NM_001205293.3(CACNA1E):c.2317C>T (p.His773Tyr)

Gene: CACNA1E (calcium voltage-gated channel subunit alpha1 E; plus strand). Cytogenetic location: 1q25.3.
Variant type: single nucleotide variant.
Coding change: c.2317C>T on transcript NM_001205293.3 (MANE Select); coding-DNA position 2317, C replaced by T.
Protein change: p.His773Tyr; replaces histidine 773 with tyrosine.
Molecular consequence: missense variant.
Genome position (GRCh38, 1-based): chr1:181,732,403, C>T. VCF-style: chr1-181732403-C-T. GRCh37 (hg19) VCF-style: chr1-181701539-C-T.
Other names: c.2317C>T, p.His773Tyr (NM_000721.4); c.2260C>T, p.His754Tyr (NM_001205294.2); short protein forms H773Y, H754Y.
Identifiers: ClinVar variation 2817474 (VCV002817474.3), dbSNP rs1393747388, ClinGen allele CA343616905.

ClinVar aggregate classification (germline): Uncertain significance (1 of 4 stars; one submission).

Allele frequency attached by ClinVar (database versions not stated): TOPMed below 0.00001.

Submission:

Labcorp Genetics (formerly Invitae), Labcorp
Classification: Uncertain significance. Last evaluated: 2023-09-03. Review status: criteria provided, single submitter. Criteria: Invitae Variant Classification Sherloc (09022015). Collection method: clinical testing. Allele origin: germline.
Comment: In summary, the available evidence is currently insufficient to determine the role of this variant in disease. Therefore, it has been classified as a Variant of Uncertain Significance. Advanced modeling of protein sequence and biophysical properties (such as structural, functional, and spatial information, amino acid conservation, physicochemical variation, residue mobility, and thermodynamic stability) has been performed at Invitae for this missense variant, however the output from this modeling did not meet the statistical confidence thresholds required to predict the impact of this variant on CACNA1E protein function. This sequence change replaces histidine, which is basic and polar, with tyrosine, which is neutral and polar, at codon 773 of the CACNA1E protein (p.His773Tyr). This variant is not present in population databases (gnomAD no frequency). This variant has not been reported in the literature in individuals affected with CACNA1E-related conditions.